The following is an entry in ClinVar:

NM_004273.5(CHST3):c.1380C>A (p.Ala460=)

Gene: CHST3 (carbohydrate sulfotransferase 3; plus strand). Cytogenetic location: 10q22.1.
Variant type: single nucleotide variant.
Coding change: c.1380C>A on transcript NM_004273.5 (MANE Select); coding-DNA position 1380, C replaced by A.
Protein change: p.Ala460=; no amino-acid change (alanine 460 retained).
Molecular consequence: synonymous variant.
Genome position (GRCh38, 1-based): chr10:72,008,411, C>A. VCF-style: chr10-72008411-C-A. GRCh37 (hg19) VCF-style: chr10-73768169-C-A.
Identifiers: ClinVar variation 877283 (VCV000877283.18), dbSNP rs369055984, ClinGen allele CA5548244.

ClinVar aggregate classification (germline): Conflicting classifications of pathogenicity. Review status: criteria provided, conflicting classifications (1 of 4 stars). 5 submissions from 5 submitters: Uncertain significance (1); Benign (1); Likely benign (2). 1 of the submissions does not count toward it. Last evaluated 2026-03-01.

Conditions:
CHST3-related disorder. Also called: CHST3-related condition.
Spondyloepiphyseal dysplasia with congenital joint dislocations (SEDCJD). Also called: Chondrodysplasia with Congenital Joint Dislocations, CHST3-Related. Identifiers: Orphanet 263463, MedGen C1837657, MONDO:0007738, OMIM 143095.

Allele frequency attached by ClinVar (database versions not stated): ESP Exome Variant Server 0.00008; TOPMed 0.00011; ExAC 0.00041.
gnomAD v4.1: 169 of 1,572,506 alleles (0.011%); highest among the groups gnomAD compares: Non-Finnish European, 0.0034%; no homozygotes.

Submissions (5):

CeGaT Center for Human Genetics Tuebingen
Classification: Likely benign. Last evaluated: 2026-03-01. Review status: criteria provided, single submitter. Criteria: CeGaT Center For Human Genetics Tuebingen Variant Classification Criteria Version 2. Collection method: clinical testing. Allele origin: germline. Affected: yes. Observed: 1 variant allele.
Comment: CHST3: BP4, BP7

Labcorp Genetics (formerly Invitae), Labcorp
Classification: Benign for Spondyloepiphyseal dysplasia with congenital joint dislocations. Last evaluated: 2026-01-25. Review status: criteria provided, single submitter. Criteria: Invitae Variant Classification Sherloc (09022015). Collection method: clinical testing. Allele origin: germline.

Blueprint Genetics
Classification: Likely benign. Last evaluated: 2024-02-13. Review status: criteria provided, single submitter. Criteria: ACMG Guidelines, 2015. Collection method: clinical testing. Allele origin: germline.

Illumina Laboratory Services, Illumina
Classification: Uncertain significance for Spondyloepiphyseal dysplasia with congenital joint dislocations. Last evaluated: 2018-01-13. Review status: criteria provided, single submitter. Criteria: ICSL Variant Classification Criteria 13 December 2019. Collection method: clinical testing. Allele origin: germline.

PreventionGenetics, part of Exact Sciences
Classification: Likely benign for CHST3-related condition. Last evaluated: 2023-12-29. Review status: no assertion criteria provided. Collection method: clinical testing. Allele origin: germline. Not counted in ClinVar's aggregate classification.
Comment: This variant is classified as likely benign based on ACMG/AMP sequence variant interpretation guidelines (Richards et al. 2015 PMID: 25741868, with internal and published modifications).